The following is an entry in ClinVar:

NM_000548.5(TSC2):c.4493+3G>T

Gene: TSC2 (TSC complex subunit 2; plus strand). Cytogenetic location: 16p13.3.
Variant type: single nucleotide variant.
Coding change: c.4493+3G>T on transcript NM_000548.5 (MANE Select); 3 bases into the intron after coding-DNA position 4493, G replaced by T.
Molecular consequence: intron variant.
Genome position (GRCh38, 1-based): chr16:2,084,718, G>T. VCF-style: chr16-2084718-G-T. GRCh37 (hg19) VCF-style: chr16-2134719-G-T.
Other names: NC_000016.9:g.2134719G>T; c.2951+3G>T (NM_001406693.1, NM_001406692.1, NM_001406694.1); c.4385+3G>T (NM_001406667.1); c.4382+3G>T (NM_001406668.1); c.3893+3G>T (NM_001406680.1); c.3824+3G>T (NM_001406683.1, NM_001406682.1); c.3692+3G>T (NM_001406687.1, NM_001406688.1); c.3080+3G>T (NM_001406689.1); and 27 more.
Identifiers: ClinVar variation 3329486 (VCV003329486.2).

ClinVar aggregate classification (germline): Uncertain significance (1 of 4 stars; one submission).

Conditions:
Hereditary cancer-predisposing syndrome. Also called: Neoplastic Syndromes, Hereditary; Tumor predisposition; Hereditary neoplastic syndrome; Hereditary Cancer Syndrome. Identifiers: Orphanet 140162, MedGen C0027672, MeSH D009386, MONDO:0015356.

Submissions (3):

Ambry Genetics
Classification: Uncertain significance for Hereditary cancer-predisposing syndrome. Last evaluated: 2024-03-29. Review status: criteria provided, single submitter. Criteria: Ambry Variant Classification Scheme 2023. Collection method: clinical testing. Allele origin: germline.
Comment: The c.4493+3G>T intronic variant results from a G to T substitution 3 nucleotides after coding exon 33 in the TSC2 gene. This nucleotide position is well conserved in available vertebrate species. In silico splice site analysis predicts that this alteration will not have any significant effect on splicing. Based on the available evidence, the clinical significance of this alteration remains unclear.

Dr. Peter K. Rogan Lab, Western University
No classification provided (evidence only). Condition: Ovarian serous cystadenocarcinoma. Review status: no classification provided. Collection method: in vitro. Allele origin: not applicable. Functional consequence: retained intron. Not counted in ClinVar's aggregate classification.

Dr. Peter K. Rogan Lab, Western University
No classification provided (evidence only). Condition: Ovarian serous cystadenocarcinoma. Review status: no classification provided. Collection method: in vitro. Allele origin: not applicable. Functional consequence: retained intron. Not counted in ClinVar's aggregate classification.